The following is an entry in ClinVar:

ClinVar aggregate classification (germline): Uncertain significance (1 of 4 stars; one submission).

Conditions:
Infantile-onset X-linked spinal muscular atrophy. Also called: Spinal Muscular Atrophy, X-Linked Infantile; Spinal muscular atrophy, X-linked 2; AMC, DISTAL, X-LINKED; ARTHROGRYPOSIS, X-LINKED, TYPE I; SPINAL MUSCULAR ATROPHY, X-LINKED LETHAL INFANTILE. Identifiers: Orphanet 1145, MedGen C1844934, MONDO:0010532, OMIM 301830.

Submission:

Labcorp Genetics (formerly Invitae), Labcorp
Classification: Uncertain significance for Infantile-onset X-linked spinal muscular atrophy. Last evaluated: 2022-06-07. Review status: criteria provided, single submitter. Criteria: Invitae Variant Classification Sherloc (09022015). Collection method: clinical testing. Allele origin: germline.
Comment: In summary, the available evidence is currently insufficient to determine the role of this variant in disease. Therefore, it has been classified as a Variant of Uncertain Significance. This sequence change replaces proline, which is neutral and non-polar, with alanine, which is neutral and non-polar, at codon 264 of the UBA1 protein (p.Pro264Ala). This variant is not present in population databases (gnomAD no frequency). This variant has not been reported in the literature in individuals affected with UBA1-related conditions. Algorithms developed to predict the effect of missense changes on protein structure and function (SIFT, PolyPhen-2, Align-GVGD) all suggest that this variant is likely to be tolerated.

NM_003334.4(UBA1):c.790C>G (p.Pro264Ala)

Gene: UBA1 (ubiquitin like modifier activating enzyme 1; plus strand). Cytogenetic location: Xp11.3.
Variant type: single nucleotide variant.
Coding change: c.790C>G on transcript NM_003334.4 (MANE Select); coding-DNA position 790, C replaced by G.
Protein change: p.Pro264Ala; replaces proline 264 with alanine.
Molecular consequence: missense variant.
Genome position (GRCh38, 1-based): chrX:47,201,589, C>G. VCF-style: chrX-47201589-C-G. GRCh37 (hg19) VCF-style: chrX-47060988-C-G.
Other names: c.790C>G, p.Pro264Ala (NM_153280.3); short protein forms P264A.
Identifiers: ClinVar variation 2002633 (VCV002002633.4), dbSNP rs2521429546, ClinGen allele CA412794025.